The following is an entry in ClinVar:

ClinVar aggregate classification (germline): Uncertain significance (1 of 4 stars; one submission).

Conditions:
GNAS-related disorder. Identifiers: MedGen CN380105.

gnomAD v4.1: 5 of 1,613,042 alleles (0.00031%); highest among the groups gnomAD compares: Admixed American, 0.0083%; no homozygotes.

Submission:

PreventionGenetics, part of Exact Sciences
Classification: Uncertain significance for GNAS-related condition. Last evaluated: 2025-06-01. Review status: criteria provided, single submitter. Criteria: ACMG Guidelines, 2015. Collection method: clinical testing. Allele origin: germline.
Comment: The GNAS c.1793G>A variant is predicted to result in the amino acid substitution p.Arg598His. To our knowledge, this variant has not been reported in the literature. This variant is reported in 0.0087% of alleles in individuals of Latino descent in gnomAD. At this time, the clinical significance of this variant is uncertain due to the absence of conclusive functional and genetic evidence.

NM_080425.4(GNAS):c.1793G>A (p.Arg598His)

Gene: GNAS (GNAS complex locus; plus strand). Cytogenetic location: 20q13.32.
Variant type: single nucleotide variant.
Coding change: c.1793G>A on transcript NM_080425.4 (MANE Plus Clinical); coding-DNA position 1793, G replaced by A.
Protein change: p.Arg598His; replaces arginine 598 with histidine.
Molecular consequence: missense variant. On other transcripts: intron variant (3).
Genome position (GRCh38, 1-based): chr20:58,855,058, G>A. VCF-style: chr20-58855058-G-A. GRCh37 (hg19) VCF-style: chr20-57430113-G-A.
Other names: c.1606G>A, p.Ala536Thr (NM_001077490.3, NM_001309883.1); c.1793G>A, p.Arg598His (NM_001410913.1); c.*42+14172G>A (NM_016592.5); c.43+14172G>A (NM_001410912.1); c.-39+13183G>A (NM_001309861.2); short protein forms R598H, A536T.
Identifiers: ClinVar variation 4978825 (VCV004978825.1).